The following is an entry in ClinVar:

NM_001282874.2(SMARCA1):c.1198A>G (p.Lys400Glu)

Gene: SMARCA1 (SNF2 related chromatin remodeling ATPase 1; minus strand). Cytogenetic location: Xq25.
Variant type: single nucleotide variant.
Coding change: c.1198A>G on transcript NM_001282874.2 (MANE Select); coding-DNA position 1198, A replaced by G.
Protein change: p.Lys400Glu; replaces lysine 400 with glutamic acid.
Molecular consequence: missense variant.
Genome position (GRCh38, 1-based): chrX:129,499,811, T>C on the plus strand (A>G on the coding strand, the complement: SMARCA1 is on the minus strand). VCF-style: chrX-129499811-T-C. GRCh37 (hg19) VCF-style: chrX-128633788-T-C.
Other names: c.1198A>G, p.Lys400Glu (NM_001282875.2, NM_001378261.1, NM_001378262.1 and 3 more transcripts); short protein forms K400E.
Identifiers: ClinVar variation 3899529 (VCV003899529.1).
Genomic context (GRCh38, chrX:129,499,811, plus strand): 5'-TCAGCCCCAAGTAAATCTTTATTTCCTTTTTAGGTGGCAGACTCTTCTCTACATCAGTTT[T>C]TATACGGCGTAACAAAAATGGTTTTAAAACCTAAAAGGTGATCATTTTTATAAAAGTTTA-3'
Protein context (NP_001269803.1, residues 390-410): VLKPFLLRRI[Lys400Glu]TDVEKSLPPK

ClinVar aggregate classification (germline): Uncertain significance (1 of 4 stars; one submission).

Submission:

GeneDx
Classification: Uncertain significance. Last evaluated: 2024-03-01. Review status: criteria provided, single submitter. Criteria: GeneDx Variant Classification Process June 2021. Collection method: clinical testing. Allele origin: germline. Affected: yes.
Comment: Not observed at significant frequency in large population cohorts (gnomAD); In silico analysis supports that this missense variant has a deleterious effect on protein structure/function; In silico analysis supports a deleterious effect on splicing; Has not been previously published as pathogenic or benign to our knowledge; Variants in candidate genes are classified as variants of uncertain significance in accordance with ACMG guidelines (PMID: 25741868)